The following is an entry in ClinVar:

ClinVar aggregate classification (germline): Uncertain significance. Review status: criteria provided, multiple submitters, no conflicts (2 of 4 stars). 2 submissions from 2 submitters: Uncertain significance (2). Last evaluated 2025-04-05.

Conditions:
Inborn genetic diseases. Identifiers: MedGen C0950123, MeSH D030342.

Submissions (2):

Ambry Genetics
Classification: Uncertain significance for Inborn genetic diseases. Last evaluated: 2025-04-05. Review status: criteria provided, single submitter. Criteria: Ambry Variant Classification Scheme 2023. Collection method: clinical testing. Allele origin: germline.
Comment: The p.T1474A variant (also known as c.4420A>G), located in coding exon 1 of the SAMD9L gene, results from an A to G substitution at nucleotide position 4420. The threonine at codon 1474 is replaced by alanine, an amino acid with similar properties. This amino acid position is conserved. In addition, this alteration is predicted to be tolerated by in silico analysis. Based on the available evidence, the clinical significance of this variant remains unclear.

Labcorp Genetics (formerly Invitae), Labcorp
Classification: Uncertain significance. Last evaluated: 2024-06-05. Review status: criteria provided, single submitter. Criteria: Invitae Variant Classification Sherloc (09022015). Collection method: clinical testing. Allele origin: germline.
Comment: This sequence change replaces threonine, which is neutral and polar, with alanine, which is neutral and non-polar, at codon 1474 of the SAMD9L protein (p.Thr1474Ala). This variant is not present in population databases (gnomAD no frequency). This variant has not been reported in the literature in individuals affected with SAMD9L-related conditions. Algorithms developed to predict the effect of missense changes on protein structure and function output the following: SIFT: "Not Available"; PolyPhen-2: "Benign"; Align-GVGD: "Not Available". The alanine amino acid residue is found in multiple mammalian species, which suggests that this missense change does not adversely affect protein function. In summary, the available evidence is currently insufficient to determine the role of this variant in disease. Therefore, it has been classified as a Variant of Uncertain Significance.

NM_152703.5(SAMD9L):c.4420A>G (p.Thr1474Ala)

Gene: SAMD9L (sterile alpha motif domain containing 9 like; minus strand). Cytogenetic location: 7q21.2.
Variant type: single nucleotide variant.
Coding change: c.4420A>G on transcript NM_152703.5 (MANE Select); coding-DNA position 4420, A replaced by G.
Protein change: p.Thr1474Ala; replaces threonine 1474 with alanine.
Molecular consequence: missense variant.
Genome position (GRCh38, 1-based): chr7:93,131,552, T>C on the plus strand (A>G on the coding strand, the complement: SAMD9L is on the minus strand). VCF-style: chr7-93131552-T-C. GRCh37 (hg19) VCF-style: chr7-92760865-T-C.
Other names: c.4420A>G, p.Thr1474Ala (NM_001303496.3, NM_001303497.3, NM_001303498.3 and 5 more transcripts); c.4420A>G (NM_152703.2); short protein forms T1474A.
Identifiers: ClinVar variation 3655710 (VCV003655710.3).
Genomic context (GRCh38, chr7:93,131,552, plus strand): 5'-CTATTTTGGCCTTGTGAACAATACTGTTTAGACCCTTCCTTTTGCCCAGATAGAAAAGTG[T>C]GCTTGCCTGCTTGGACCTGCACATGCGCTTGTACTGTCCCCTGAAGGATCTATTTAAGGA-3'
Protein context (NP_689916.2, residues 1464-1484): KRMCRSKQAS[Thr1474Ala]LFYLGKRKGL